The following is an entry in ClinVar:

NM_006393.3(NEBL):c.1447G>A (p.Glu483Lys)

Gene: NEBL (nebulette; minus strand). Cytogenetic location: 10p12.31.
Variant type: single nucleotide variant.
Coding change: c.1447G>A on transcript NM_006393.3 (MANE Select); coding-DNA position 1447, G replaced by A.
Protein change: p.Glu483Lys; replaces glutamic acid 483 with lysine.
Molecular consequence: missense variant. On other transcripts: intron variant (9).
Genome position (GRCh38, 1-based): chr10:20,835,515, C>T on the plus strand (G>A on the coding strand, the complement: NEBL is on the minus strand). VCF-style: chr10-20835515-C-T. GRCh37 (hg19) VCF-style: chr10-21124444-C-T.
Other names: c.250-22575G>A (NM_001377326.1, NM_001377327.1, NM_001377328.1); c.358-22575G>A (NM_213569.2, NM_001173484.2, NM_001377322.1); c.301-22575G>A (NM_001377324.1); c.292-22575G>A (NM_001377325.1); c.310-22575G>A (NM_001377323.1); short protein forms E483K.
Identifiers: ClinVar variation 2560531 (VCV002560531.3), dbSNP rs755141650, ClinGen allele CA5432874.
Genomic context (GRCh38, chr10:20,835,515, plus strand): 5'-ACGATTTGTTAGGTTCCAAAATATGAGTCTTAAGGCCTGCATCACGCACCCTACTAACCT[C>T]ACTCGCTATCTCTGCAGCCTTCTTGGCATGCTGCATTTCAAGGGTGTCAGTGCCAGCTTG-3'
Protein context (NP_006384.1, residues 473-493): HAKKAAEIAS[Glu483Lys]KDYKRDLETE

ClinVar aggregate classification (germline): Uncertain significance (1 of 4 stars; one submission).

Allele frequency attached by ClinVar (database versions not stated): ExAC 0.00001; gnomAD exomes 0.00001.
gnomAD v4.1: 9 of 1,607,894 alleles (0.00056%); highest among the groups gnomAD compares: Non-Finnish European, 0.00077%; no homozygotes.

Submission:

Ambry Genetics
Classification: Uncertain significance. Last evaluated: 2025-05-27. Review status: criteria provided, single submitter. Criteria: Ambry Variant Classification Scheme 2023. Collection method: clinical testing. Allele origin: germline.
Comment: The p.E483K variant (also known as c.1447G>A), located in coding exon 14 of the NEBL gene, results from a G to A substitution at nucleotide position 1447. The glutamic acid at codon 483 is replaced by lysine, an amino acid with similar properties. This amino acid position is conserved. In addition, this alteration is predicted to be tolerated by in silico analysis. Since supporting evidence is limited at this time, the clinical significance of this alteration remains unclear.